The following is an entry in ClinVar:

NM_000287.4(PEX6):c.1234-2A>G

Gene: PEX6 (peroxisomal biogenesis factor 6; minus strand). Cytogenetic location: 6p21.1.
Variant type: single nucleotide variant.
Coding change: c.1234-2A>G on transcript NM_000287.4 (MANE Select); the canonical splice acceptor site of the intron before coding-DNA position 1234, A replaced by G.
Molecular consequence: splice acceptor variant.
Genome position (GRCh38, 1-based): chr6:42,969,803, T>C on the plus strand (A>G on the coding strand, the complement: PEX6 is on the minus strand). VCF-style: chr6-42969803-T-C. GRCh37 (hg19) VCF-style: chr6-42937541-T-C.
Other names: c.970-2A>G (NM_001316313.2).
Identifiers: ClinVar variation 1507179 (VCV001507179.8), dbSNP rs2114247797, ClinGen allele CA364155970.

ClinVar aggregate classification (germline): Likely pathogenic (1 of 4 stars; one submission).

Conditions:
Peroxisome biogenesis disorder. Identifiers: Orphanet 79189, MedGen C1832200, MONDO:0019234. Disease mechanism: loss of function.

Submission:

Labcorp Genetics (formerly Invitae), Labcorp
Classification: Likely pathogenic for Peroxisome biogenesis disorder. Last evaluated: 2021-02-15. Review status: criteria provided, single submitter. Criteria: Invitae Variant Classification Sherloc (09022015). Collection method: clinical testing. Allele origin: germline.
Comment: This variant has not been reported in the literature in individuals with PEX6-related conditions. Algorithms developed to predict the effect of sequence changes on RNA splicing suggest that this variant may disrupt the consensus splice site, but this prediction has not been confirmed by published transcriptional studies. In summary, the currently available evidence indicates that the variant is pathogenic, but additional data are needed to prove that conclusively. Therefore, this variant has been classified as Likely Pathogenic. This variant is not present in population databases (ExAC no frequency). This sequence change affects an acceptor splice site in intron 4 of the PEX6 gene. It is expected to disrupt RNA splicing. Variants that disrupt the donor or acceptor splice site typically lead to a loss of protein function (PMID: 16199547), and loss-of-function variants in PEX6 are known to be pathogenic (PMID: 8670792, 19877282, 21031596).

Literature cited by the submitters: PubMed 16199547; PubMed 8670792; PubMed 19877282; PubMed 21031596.